The following is an entry in ClinVar:

NM_017934.7(PHIP):c.5406T>C (p.Ser1802=)

Genes: IRAK1BP1 (interleukin 1 receptor associated kinase 1 binding protein 1; plus strand), PHIP (PHIP subunit of CUL4-Ring ligase complex; minus strand). Cytogenetic location: 6q14.1.
Variant type: single nucleotide variant.
Coding change: c.5406T>C on transcript NM_017934.7 (MANE Select); coding-DNA position 5406, T replaced by C.
Protein change: p.Ser1802=; no amino-acid change (serine 1802 retained).
Molecular consequence: synonymous variant.
Genome position (GRCh38, 1-based): chr6:78,940,753, A>G on the plus strand (T>C on the coding strand, the complement: PHIP is on the minus strand). VCF-style: chr6-78940753-A-G. GRCh37 (hg19) VCF-style: chr6-79650470-A-G.
Identifiers: ClinVar variation 4990281 (VCV004990281.1).

ClinVar aggregate classification (germline): Likely benign (1 of 4 stars; one submission).

Conditions:
PHIP-related disorder. Also called: PHIP-related condition; PHIP-related disorders.

gnomAD v4.1: 3 of 1,613,588 alleles (0.00019%); highest among the groups gnomAD compares: South Asian, 0.0033%; no homozygotes.

Submission:

PreventionGenetics, part of Exact Sciences
Classification: Likely benign for PHIP-related condition. Last evaluated: 2025-10-17. Review status: criteria provided, single submitter. Criteria: ACMG Guidelines, 2015. Collection method: clinical testing. Allele origin: germline.
Comment: This variant is classified as likely benign based on ACMG/AMP sequence variant interpretation guidelines (Richards et al. 2015 PMID: 25741868, with internal and published modifications).